The following is an entry in ClinVar:

NM_015046.7(SETX):c.5346C>T (p.Ala1782=)

Gene: SETX (senataxin; minus strand). Cytogenetic location: 9q34.13.
Variant type: single nucleotide variant.
Coding change: c.5346C>T on transcript NM_015046.7 (MANE Select); coding-DNA position 5346, C replaced by T.
Protein change: p.Ala1782=; no amino-acid change (alanine 1782 retained).
Molecular consequence: synonymous variant.
Genome position (GRCh38, 1-based): chr9:132,311,785, G>A on the plus strand (C>T on the coding strand, the complement: SETX is on the minus strand). VCF-style: chr9-132311785-G-A. GRCh37 (hg19) VCF-style: chr9-135187172-G-A.
Other names: p.Ala1782=; c.5346C>T, p.Ala1782= (NM_001351527.2, NM_001351528.2).
Identifiers: ClinVar variation 705650 (VCV000705650.15), dbSNP rs115071007, ClinGen allele CA5297011.

ClinVar aggregate classification (germline): Benign/Likely benign. Review status: criteria provided, multiple submitters, no conflicts (2 of 4 stars). 5 submissions from 4 submitters: Benign (1); Likely benign (4). Last evaluated 2025-12-02.

Conditions:
Amyotrophic lateral sclerosis type 4 (ALS4). Also called: AMYOTROPHIC LATERAL SCLEROSIS 4, JUVENILE; NEURONOPATHY, DISTAL HEREDITARY MOTOR, WITH PYRAMIDAL FEATURES. Identifiers: Orphanet 357043, MedGen C1865409, MONDO:0011223, OMIM 602433.
Spinocerebellar ataxia, autosomal recessive, with axonal neuropathy 2 (SCAN2). Also called: Ataxia with Oculomotor Apraxia; Ataxia-ocular apraxia-2; Ataxia with Oculomotor Apraxia Type 2; ATAXIA-OCULOMOTOR APRAXIA 2. Identifiers: Orphanet 64753, MedGen C1853761, MONDO:0018996, OMIM 606002.
Hereditary spastic paraplegia. Also called: Familial spastic paraparesis. Identifiers: Orphanet 685, MedGen C0037773, MONDO:0019064. Disease mechanism: loss of function.

Allele frequency attached by ClinVar (database versions not stated): gnomAD exomes 0.00024; ExAC 0.00028; ESP Exome Variant Server 0.00062; 1000 Genomes Project 0.00080; 1000 Genomes Project 30x 0.00094; TOPMed 0.00097.
gnomAD v4.1: 256 of 1,613,120 alleles (0.016%); highest among the groups gnomAD compares: African/African-American, 0.3%; no homozygotes.

Submissions (5):

Labcorp Genetics (formerly Invitae), Labcorp
Classification: Benign for Amyotrophic lateral sclerosis type 4; Spinocerebellar ataxia, autosomal recessive, with axonal neuropathy 2. Last evaluated: 2025-12-02. Review status: criteria provided, single submitter. Criteria: Invitae Variant Classification Sherloc (09022015). Collection method: clinical testing. Allele origin: germline.

Mayo Clinic Laboratories, Mayo Clinic
Classification: Likely benign. Last evaluated: 2025-06-09. Review status: criteria provided, single submitter. Criteria: ACMG Guidelines, 2015. Collection method: clinical testing. Allele origin: germline. Observed: 1 variant allele.
Comment: BS1, BP4, BP7

Genome-Nilou Lab
Classification: Likely benign for Spinocerebellar ataxia, autosomal recessive, with axonal neuropathy 2. Last evaluated: 2023-02-08. Review status: criteria provided, single submitter. Criteria: ACMG Guidelines, 2015. Collection method: clinical testing. Allele origin: germline.

Genome-Nilou Lab
Classification: Likely benign for Amyotrophic lateral sclerosis type 4. Last evaluated: 2023-02-08. Review status: criteria provided, single submitter. Criteria: ACMG Guidelines, 2015. Collection method: clinical testing. Allele origin: germline.

Genome Diagnostics Laboratory, The Hospital for Sick Children
Classification: Likely benign for Hereditary spastic paraplegia. Last evaluated: 2021-05-17. Review status: criteria provided, single submitter. Criteria: ACMG Guidelines, 2015. Collection method: clinical testing. Allele origin: germline. Affected: yes.